The following is an entry in ClinVar:

NM_000053.4(ATP7B):c.2866-4T>A

Gene: ATP7B (ATPase copper transporting beta; minus strand). Cytogenetic location: 13q14.3.
Variant type: single nucleotide variant.
Coding change: c.2866-4T>A on transcript NM_000053.4 (MANE Select); 4 bases into the intron before coding-DNA position 2866, T replaced by A.
Molecular consequence: intron variant.
Genome position (GRCh38, 1-based): chr13:51,946,482, A>T on the plus strand (T>A on the coding strand, the complement: ATP7B is on the minus strand). VCF-style: chr13-51946482-A-T. GRCh37 (hg19) VCF-style: chr13-52520618-A-T.
Other names: c.2533-4T>A (NM_001243182.2); c.2245-4T>A (NM_001005918.3); c.2614-4T>A (NM_001330579.2); c.2632-4T>A (NM_001330578.2).
Identifiers: ClinVar variation 1528678 (VCV001528678.9), dbSNP rs765102482, ClinGen allele CA2573149712.
Genomic context (GRCh38, chr13:51,946,482, plus strand): 5'-CGTCTGGAAAGCAAACCGGATGATCACCTCTGTCTGGGAGATGTGCTTGTTGGGGTTCTG[A>T]AAACAGGACAGAGTCAGAGGCAGGTTGAGAGTTCAATAAGGAAGCTCCCAGAACTCTAAT-3'

ClinVar aggregate classification (germline): Likely benign. Review status: criteria provided, multiple submitters, no conflicts (2 of 4 stars). 2 submissions from 2 submitters: Likely benign (2). Last evaluated 2024-02-22.

Conditions:
Wilson disease (WND). Also called: Wilson's disease. Identifiers: Orphanet 905, MedGen C0019202, MONDO:0010200, OMIM 277900. Disease mechanism: loss of function.

Submissions (2):

All of Us Research Program, National Institutes of Health
Classification: Likely benign for Wilson disease. Last evaluated: 2024-02-22. Review status: criteria provided, single submitter. Criteria: ACMG Guidelines, 2015. Collection method: clinical testing. Allele origin: germline. Inheritance: Autosomal recessive inheritance. Observed: 1 variant allele, 1 heterozygote.
Comment: This study involves interpretation of variants in research participants for the purpose of population health screening. Participant phenotype was not available at the time of variant classification. Additional details can be found in publication PMID: 35346344, PMCID: PMC8962531

Labcorp Genetics (formerly Invitae), Labcorp
Classification: Likely benign for Wilson disease. Last evaluated: 2021-01-31. Review status: criteria provided, single submitter. Criteria: Invitae Variant Classification Sherloc (09022015). Collection method: clinical testing. Allele origin: germline.